The following is an entry in ClinVar:

NC_000013.11:g.(?_32392886)_(32394725_?)del

Gene: BRCA2 (BRCA2 DNA repair associated; plus strand). Cytogenetic location: 13q13.1.
Variant type: Deletion.
Identifiers: ClinVar variation 462171 (VCV000462171.10).

ClinVar aggregate classification (germline): Pathogenic (1 of 4 stars; one submission).

Conditions:
Hereditary breast ovarian cancer syndrome. Also called: Hereditary breast and ovarian cancer syndrome (HBOC); Hereditary breast and ovarian cancer syndrome; Breast and ovarian cancer; Hereditary breast and/or ovarian cancer syndrome; Hereditary breast and ovarian cancer; BRCA1- and BRCA2-Associated Hereditary Breast and Ovarian Cancer. Identifiers: Orphanet 145, MedGen C0677776, MeSH D061325, MONDO:0003582. Disease mechanism: loss of function.

Submission:

Labcorp Genetics (formerly Invitae), Labcorp
Classification: Pathogenic for Hereditary breast ovarian cancer syndrome. Last evaluated: 2017-05-04. Review status: criteria provided, single submitter. Criteria: Invitae Variant Classification Sherloc (09022015). Collection method: clinical testing. Allele origin: germline.
Comment: For these reasons, this variant has been classified as Pathogenic. While this particular variant has not been reported in the literature, loss-of-function variants in BRCA2 are known to be pathogenic (PMID: 20104584). This variant is a gross deletion of the genomic region encompassing the first 37 nucleotides of exon 25 of the BRCA2 gene, including the intron 24-exon 25 boundary (c.9257-1803_9294del). This likely creates a premature translational stop signal and is expected to result in an absent or disrupted protein product.

Literature cited by the submitters: PubMed 20104584.